The following is an entry in ClinVar:

NM_017825.3(ADPRS):c.146del (p.Thr49fs)

Gene: ADPRS (ADP-ribosylserine hydrolase; plus strand). Cytogenetic location: 1p34.3.
Variant type: Deletion.
Coding change: c.146del on transcript NM_017825.3 (MANE Select); coding-DNA position 146, one base deleted (C; older notation c.146delC).
Protein change: p.Thr49fs; shifts the reading frame from threonine 49.
Molecular consequence: frameshift variant.
Genome position (GRCh38, 1-based): chr1:36,089,050, C deleted. VCF-style (leftmost placement, unchanged base first): chr1-36089049-AC-A. GRCh37 (hg19) VCF-style: chr1-36554650-AC-A.
Other names: short protein forms T49fs.
Identifiers: ClinVar variation 2572385 (VCV002572385.1), dbSNP rs2524677372, ClinGen allele CA2580612928.
Genomic context (GRCh38, chr1:36,089,049, plus strand): 5'-GGCGCGCTGCTCGGGGACTGCGTGGGCTCCTTCTACGAGGCCCACGACACCGTCGACCTG[AC>A]GTCAGTCCTGCGTCATGTCCAGAGTCTGGAGCCGGACCCCGGCACGCCCGGGAGTGAGCG-3'

ClinVar aggregate classification (germline): Pathogenic (1 of 4 stars; one submission).

Conditions:
Neurodegeneration, childhood-onset, stress-induced, with variable ataxia and seizures. Identifiers: Orphanet 694922, MedGen C4748527, MONDO:0100095, OMIM 618170.

Submission:

3billion
Classification: Pathogenic for Neurodegeneration, childhood-onset, stress-induced, with variable ataxia and seizures. Review status: criteria provided, single submitter. Criteria: ACMG Guidelines, 2015. Collection method: clinical testing. Allele origin: unknown. Affected: yes. Observed: 1 homozygote.
Comment: The variant is not observed in the gnomAD v2.1.1 dataset. The variant is predicted to result in a loss or disruption of normal protein function through nonsense-mediated decay (NMD) or protein truncation. Multiple pathogenic variants are reported downstream of the variant. Therefore, this variant is classified as Likely pathogenic according to the recommendation of ACMG/AMP guideline.